The following is an entry in ClinVar:

NM_003919.3(SGCE):c.321del (p.Pro108fs)

Genes: CASD1 (CAS1 domain sialic acid O acetyltransferase 1; plus strand), SGCE (sarcoglycan epsilon; minus strand). Cytogenetic location: 7q21.3.
Variant type: Deletion.
Coding change: c.321del on transcript NM_003919.3 (MANE Select); coding-DNA position 321, one base deleted (A; older notation c.321delA).
Protein change: p.Pro108fs; shifts the reading frame from proline 108.
Molecular consequence: frameshift variant.
Genome position (GRCh38, 1-based): chr7:94,628,271, T deleted on the plus strand (A on the coding strand, the reverse complement: SGCE is on the minus strand). VCF-style (leftmost placement, unchanged base first): chr7-94628270-GT-G. GRCh37 (hg19) VCF-style: chr7-94257582-GT-G.
Other names: c.321del, p.Pro108fs (NM_001099400.2, NM_001099401.2, NM_001346717.2); c.198del, p.Pro67fs (NM_001301139.2, NM_001362809.2); c.429del, p.Pro144fs (NM_001346713.2, NM_001346715.2); c.234del, p.Pro79fs (NM_001346719.2, NM_001362807.2); c.48del, p.Pro17fs (NM_001346720.2, NM_001362808.2); short protein forms P17fs, P67fs, P108fs, P79fs, P144fs.
Identifiers: ClinVar variation 1351337 (VCV001351337.6), dbSNP rs2116959244, ClinGen allele CA2573142444.
Genomic context (GRCh38, chr7:94,628,270, plus strand): 5'-TTGTTGGCTTCCCCACATTTTCAGCTGTTGGGGACCCATATAGGACTCCATCACTATATG[GT>G]GTCCTTTGGATATATCGAAGCCATCCAGGTCGGTCTGGGTAACCCATTAAATTTGTATTA-3'

ClinVar aggregate classification (germline): Pathogenic (1 of 4 stars; one submission).

Conditions:
Myoclonic dystonia 11 (DYT11). Also called: Myoclonic dystonia; Dystonia 11; Dystonia, alcohol responsive; Hereditary essential myoclonus; SGCE Myoclonus-Dystonia; Myoclonus-Dystonia. Identifiers: Orphanet 36899, MedGen C1834570, MONDO:0008044, OMIM 159900.

Submission:

Labcorp Genetics (formerly Invitae), Labcorp
Classification: Pathogenic for Myoclonic dystonia 11. Last evaluated: 2022-07-12. Review status: criteria provided, single submitter. Criteria: Invitae Variant Classification Sherloc (09022015). Collection method: clinical testing. Allele origin: germline.
Comment: For these reasons, this variant has been classified as Pathogenic. ClinVar contains an entry for this variant (Variation ID: 1351337). This variant has not been reported in the literature in individuals affected with SGCE-related conditions. This variant is not present in population databases (gnomAD no frequency). This sequence change creates a premature translational stop signal (p.Pro108Hisfs*24) in the SGCE gene. It is expected to result in an absent or disrupted protein product. Loss-of-function variants in SGCE are known to be pathogenic (PMID: 12821748, 15389977, 17853490, 24297365).

Literature cited by the submitters: PubMed 12821748; PubMed 15389977; PubMed 17853490; PubMed 24297365.